The following is an entry in ClinVar:

ClinVar aggregate classification (germline): Likely pathogenic (1 of 4 stars; one submission).

Conditions:
ETV6-related disorder. Also called: ETV6-related condition.

Submission:

PreventionGenetics, part of Exact Sciences
Classification: Likely pathogenic for ETV6-related condition. Last evaluated: 2023-03-07. Review status: criteria provided, single submitter. Criteria: ACMG Guidelines, 2015. Collection method: clinical testing. Allele origin: germline.
Comment: The ETV6 c.737delC variant is predicted to result in a frameshift and premature protein termination (p.Pro246Glnfs*20). To our knowledge, this variant has not been reported in the literature or in a large population database, indicating it is rare. Frameshift variants in ETV6 are expected to be pathogenic. This variant is interpreted as likely pathogenic.

NM_001987.5(ETV6):c.737del (p.Pro246fs)

Gene: ETV6 (ETS variant transcription factor 6; plus strand). Cytogenetic location: 12p13.2.
Variant type: Deletion.
Coding change: c.737del on transcript NM_001987.5 (MANE Select); coding-DNA position 737, one base deleted (C; older notation c.737delC).
Protein change: p.Pro246fs; shifts the reading frame from proline 246.
Molecular consequence: frameshift variant.
Genome position (GRCh38, 1-based): chr12:11,869,697, C deleted; the last of 3 consecutive C bases (chr12:11,869,695-11,869,697); deleting any one gives the same sequence. VCF-style (leftmost placement, unchanged base first): chr12-11869694-GC-G. GRCh37 (hg19) VCF-style: chr12-12022628-GC-G.
Other names: c.734del, p.Pro245fs (NM_001413913.1); c.710del, p.Pro237fs (NM_001413914.1); c.473del, p.Pro158fs (NM_001413915.1); c.737del, p.Pro246fs (NM_001413916.1, NM_001413917.1); short protein forms P158fs, P237fs, P245fs, P246fs.
Identifiers: ClinVar variation 2633822 (VCV002633822.1), dbSNP rs2498080633, ClinGen allele CA2695199053.